The following is an entry in ClinVar:

ClinVar aggregate classification (germline): Uncertain significance (1 of 4 stars; one submission).

Submission:

Labcorp Genetics (formerly Invitae), Labcorp
Classification: Uncertain significance. Last evaluated: 2023-03-11. Review status: criteria provided, single submitter. Criteria: Invitae Variant Classification Sherloc (09022015). Collection method: clinical testing. Allele origin: germline.
Comment: This sequence change replaces proline, which is neutral and non-polar, with leucine, which is neutral and non-polar, at codon 35 of the CLCN7 protein (p.Pro35Leu). In summary, the available evidence is currently insufficient to determine the role of this variant in disease. Therefore, it has been classified as a Variant of Uncertain Significance. Advanced modeling of protein sequence and biophysical properties (such as structural, functional, and spatial information, amino acid conservation, physicochemical variation, residue mobility, and thermodynamic stability) performed at Invitae indicates that this missense variant is not expected to disrupt CLCN7 protein function. This variant has not been reported in the literature in individuals affected with CLCN7-related conditions. This variant is not present in population databases (gnomAD no frequency).

NM_001287.6(CLCN7):c.104C>T (p.Pro35Leu)

Genes: CLCN7 (chloride voltage-gated channel 7; minus strand), LOC130058166 (ATAC-STARR-seq lymphoblastoid silent region 6986; plus strand). Cytogenetic location: 16p13.3.
Variant type: single nucleotide variant.
Coding change: c.104C>T on transcript NM_001287.6 (MANE Select); coding-DNA position 104, C replaced by T.
Protein change: p.Pro35Leu; replaces proline 35 with leucine.
Molecular consequence: missense variant.
Genome position (GRCh38, 1-based): chr16:1,474,871, G>A on the plus strand (C>T on the coding strand, the complement: CLCN7 is on the minus strand). VCF-style: chr16-1474871-G-A. GRCh37 (hg19) VCF-style: chr16-1524872-G-A.
Other names: c.104C>T, p.Pro35Leu (NM_001114331.3); short protein forms P35L.
Identifiers: ClinVar variation 2844989 (VCV002844989.3), dbSNP rs2505869590, ClinGen allele CA394194041.